The following is an entry in ClinVar:

ClinVar aggregate classification (germline): Conflicting classifications of pathogenicity. Review status: criteria provided, conflicting classifications (1 of 4 stars). 6 submissions from 6 submitters: Uncertain significance (2); Likely benign (4). Last evaluated 2026-02-27.

Conditions:
Intellectual disability, autosomal recessive 42 (NEDDSBA). Also called: GLYCOSYLPHOSPHATIDYLINOSITOL BIOSYNTHESIS DEFECT 9; Neurodevelopmental disorder with dysmorphic features, spasticity, and brain abnormalities. Identifiers: Orphanet 88616, MedGen C4014343, MONDO:0014348, OMIM 615802.
PGAP1-related disorder. Also called: PGAP1-related condition.
Inborn genetic diseases. Identifiers: MedGen C0950123, MeSH D030342.
Hereditary spastic paraplegia. Also called: Familial spastic paraparesis. Identifiers: Orphanet 685, MedGen C0037773, MONDO:0019064. Disease mechanism: loss of function.

Allele frequency attached by ClinVar (database versions not stated): ESP Exome Variant Server 0.00023; TOPMed 0.00029; gnomAD exomes 0.00033 and 0.00034; gnomAD 0.00037 and 0.00038; ExAC 0.00041.
gnomAD v4.1: 520 of 1,508,814 alleles (0.034%); highest among the groups gnomAD compares: Non-Finnish European, 0.04%; no homozygotes.

Submissions (6):

PreventionGenetics, part of Exact Sciences
Classification: Likely benign for PGAP1-related condition. Last evaluated: 2026-02-27. Review status: criteria provided, single submitter. Criteria: ACMG Guidelines, 2015. Collection method: clinical testing. Allele origin: germline.
Comment: This variant is classified as likely benign based on ACMG/AMP sequence variant interpretation guidelines (Richards et al. 2015 PMID: 25741868, with internal and published modifications).

Labcorp Genetics (formerly Invitae), Labcorp
Classification: Likely benign for Intellectual disability, autosomal recessive 42. Last evaluated: 2025-12-16. Review status: criteria provided, single submitter. Criteria: Invitae Variant Classification Sherloc (09022015). Collection method: clinical testing. Allele origin: germline.

Mayo Clinic Laboratories, Mayo Clinic
Classification: Likely benign. Last evaluated: 2025-10-17. Review status: criteria provided, single submitter. Criteria: ACMG Guidelines, 2015. Collection method: clinical testing. Allele origin: germline. Observed: 1 variant allele.
Comment: BP4, BP7

CeGaT Center for Human Genetics Tuebingen
Classification: Likely benign. Last evaluated: 2023-06-01. Review status: criteria provided, single submitter. Criteria: CeGaT Center For Human Genetics Tuebingen Variant Classification Criteria Version 2. Collection method: clinical testing. Allele origin: germline. Affected: yes. Observed: 1 variant allele.
Comment: PGAP1: BP4

Ambry Genetics
Classification: Uncertain significance for Inborn genetic diseases. Last evaluated: 2021-12-21. Review status: criteria provided, single submitter. Criteria: Ambry Variant Classification Scheme 2023. Collection method: clinical testing. Allele origin: germline.
Comment: The c.927+4T>C intronic alteration consists of a T to C substitution nucleotides after coding exon 7 in the PGAP1 gene. Based on insufficient or conflicting evidence, the clinical significance of this alteration remains unclear.

Genome Diagnostics Laboratory, The Hospital for Sick Children
Classification: Uncertain significance for Hereditary spastic paraplegia. Last evaluated: 2020-08-18. Review status: criteria provided, single submitter. Criteria: ACMG Guidelines, 2015. Collection method: clinical testing. Allele origin: germline. Affected: yes.

NM_024989.4(PGAP1):c.927+4T>C

Gene: PGAP1 (post-GPI attachment to proteins inositol deacylase 1; minus strand). Cytogenetic location: 2q33.1.
Variant type: single nucleotide variant.
Coding change: c.927+4T>C on transcript NM_024989.4 (MANE Select); 4 bases into the intron after coding-DNA position 927, T replaced by C.
Molecular consequence: intron variant.
Genome position (GRCh38, 1-based): chr2:196,897,127, A>G on the plus strand (T>C on the coding strand, the complement: PGAP1 is on the minus strand). VCF-style: chr2-196897127-A-G. GRCh37 (hg19) VCF-style: chr2-197761851-A-G.
Other names: p.?; c.-185+4T>C (NM_001321100.2); c.405+4T>C (NM_001321099.2).
Identifiers: ClinVar variation 705297 (VCV000705297.40), dbSNP rs201984003, ClinGen allele CA2041080.